The following is an entry in ClinVar:

ClinVar aggregate classification (germline): Conflicting classifications of pathogenicity. Review status: criteria provided, conflicting classifications (1 of 4 stars). 7 submissions from 7 submitters: Uncertain significance (5); Likely benign (1). 1 of the submissions does not count toward it. Last evaluated 2024-12-27.

Conditions:
Inborn genetic diseases. Identifiers: MedGen C0950123, MeSH D030342.
VPS13A-related neurodegenerative disease. Also called: VPS13A Disease; Choreaacanthocytosis; Chorea-acanthocytosis; LEVINE-CRITCHLEY SYNDROME; Choreoacanthocytosis; ACANTHOCYTOSIS WITH NEUROLOGIC DISORDER. Identifiers: Orphanet 2388, MedGen C0393576, MONDO:0008695, OMIM 200150.

Allele frequency attached by ClinVar (database versions not stated): gnomAD exomes 0.00015 and 0.00016; ExAC 0.00018; gnomAD 0.00034 and 0.00035; TOPMed 0.00038; 1000 Genomes Project 0.00040; 1000 Genomes Project 30x 0.00047; ESP Exome Variant Server 0.00054.
gnomAD v4.1: 263 of 1,612,746 alleles (0.016%); highest among the groups gnomAD compares: African/African-American, 0.091%; 1 homozygote.

Submissions (7):

GeneDx
Classification: Uncertain significance. Last evaluated: 2024-12-27. Review status: criteria provided, single submitter. Criteria: GeneDx Variant Classification Process June 2021. Collection method: clinical testing. Allele origin: germline. Affected: yes.
Comment: In silico analysis supports that this missense variant has a deleterious effect on protein structure/function; Has not been previously published as pathogenic or benign to our knowledge

Ambry Genetics
Classification: Likely benign for Inborn genetic diseases. Last evaluated: 2023-09-19. Review status: criteria provided, single submitter. Criteria: Ambry Variant Classification Scheme 2023. Collection method: clinical testing. Allele origin: germline.

Mayo Clinic Laboratories, Mayo Clinic
Classification: Uncertain significance. Last evaluated: 2023-06-13. Review status: criteria provided, single submitter. Criteria: ACMG Guidelines, 2015. Collection method: clinical testing. Allele origin: germline. Observed: 1 variant allele.
Comment: BP4

Department of Pathology and Laboratory Medicine, Sinai Health System
Classification: Uncertain significance for VPS13A-related neurodegenerative disease. Last evaluated: 2023-02-08. Review status: criteria provided, single submitter. Criteria: ACMG Guidelines, 2015. Collection method: research. Allele origin: germline.

Labcorp Genetics (formerly Invitae), Labcorp
Classification: Uncertain significance. Last evaluated: 2022-07-01. Review status: criteria provided, single submitter. Criteria: Invitae Variant Classification Sherloc (09022015). Collection method: clinical testing. Allele origin: germline.
Comment: This sequence change replaces tyrosine, which is neutral and polar, with cysteine, which is neutral and slightly polar, at codon 1824 of the VPS13A protein (p.Tyr1824Cys). This variant is present in population databases (rs144290291, gnomAD 0.05%). This variant has not been reported in the literature in individuals affected with VPS13A-related conditions. ClinVar contains an entry for this variant (Variation ID: 913939). Algorithms developed to predict the effect of missense changes on protein structure and function are either unavailable or do not agree on the potential impact of this missense change (SIFT: "Deleterious"; PolyPhen-2: "Probably Damaging"; Align-GVGD: "Class C0"). In summary, the available evidence is currently insufficient to determine the role of this variant in disease. Therefore, it has been classified as a Variant of Uncertain Significance.

Illumina Laboratory Services, Illumina
Classification: Uncertain significance for VPS13A-related neurodegenerative disease. Last evaluated: 2018-01-13. Review status: criteria provided, single submitter. Criteria: ICSL Variant Classification Criteria 13 December 2019. Collection method: clinical testing. Allele origin: germline.

Natera, Inc.
Classification: Uncertain significance for Choreaacanthocytosis. Last evaluated: 2020-01-10. Review status: no assertion criteria provided. Collection method: clinical testing. Allele origin: germline. Not counted in ClinVar's aggregate classification.

NM_033305.3(VPS13A):c.5471A>G (p.Tyr1824Cys)

Gene: VPS13A (vacuolar protein sorting 13 homolog A; plus strand). Cytogenetic location: 9q21.2.
Variant type: single nucleotide variant.
Coding change: c.5471A>G on transcript NM_033305.3 (MANE Select); coding-DNA position 5471, A replaced by G.
Protein change: p.Tyr1824Cys; replaces tyrosine 1824 with cysteine.
Molecular consequence: missense variant.
Genome position (GRCh38, 1-based): chr9:77,321,224, A>G. VCF-style: chr9-77321224-A-G. GRCh37 (hg19) VCF-style: chr9-79936140-A-G.
Other names: p.Tyr1824Cys; c.5354A>G, p.Tyr1785Cys (NM_001018037.2); c.5471A>G, p.Tyr1824Cys (NM_001018038.3, NM_015186.4); short protein forms Y1785C, Y1824C.
Identifiers: ClinVar variation 913939 (VCV000913939.17), dbSNP rs144290291, ClinGen allele CA5092798.
Genomic context (GRCh38, chr9:77,321,224, plus strand): 5'-TTTAGATGAAAAAGAAAGCAAAAATGGCCATTGTTGAGTCAGATCCTGAAGAAGAAAACT[A>G]CAAAGTGCCAGAATATAAAACTGTCATCAGTTTCCATTCAAAAGACCAATTAAACATTAC-3'
Protein context (NP_150648.2, residues 1814-1834): IVESDPEEEN[Tyr1824Cys]KVPEYKTVIS